The following is an entry in ClinVar:

NM_001378609.3(OTOGL):c.1441+9T>C

Gene: OTOGL (otogelin like; plus strand). Cytogenetic location: 12q21.31.
Variant type: single nucleotide variant.
Coding change: c.1441+9T>C on transcript NM_001378609.3 (MANE Select); 9 bases into the intron after coding-DNA position 1441, T replaced by C.
Molecular consequence: intron variant.
Genome position (GRCh38, 1-based): chr12:80,254,579, T>C. VCF-style: chr12-80254579-T-C. GRCh37 (hg19) VCF-style: chr12-80648359-T-C.
Other names: c.1441+9T>C (NM_001368062.3, NM_001378610.3, NM_173591.7).
Identifiers: ClinVar variation 3045336 (VCV003045336.2), dbSNP rs2541019261, ClinGen allele CA2575235012.

ClinVar aggregate classification (germline): Likely benign (0 of 4 stars; one submission).

Conditions:
OTOGL-related disorder. Also called: OTOGL-related condition.

Submission:

PreventionGenetics, part of Exact Sciences
Classification: Likely benign for OTOGL-related condition. Last evaluated: 2024-01-05. Review status: no assertion criteria provided. Collection method: clinical testing. Allele origin: germline.
Comment: This variant is classified as likely benign based on ACMG/AMP sequence variant interpretation guidelines (Richards et al. 2015 PMID: 25741868, with internal and published modifications).